The following is an entry in ClinVar:

ClinVar aggregate classification (germline): Pathogenic (1 of 4 stars; one submission).

Submission:

Labcorp Genetics (formerly Invitae), Labcorp
Classification: Pathogenic. Last evaluated: 2022-06-27. Review status: criteria provided, single submitter. Criteria: Invitae Variant Classification Sherloc (09022015). Collection method: clinical testing. Allele origin: germline.
Comment: This sequence change creates a premature translational stop signal (p.Glu272Valfs*6) in the C12orf4 gene. It is expected to result in an absent or disrupted protein product. Loss-of-function variants in C12orf4 are known to be pathogenic (PMID: 27311568). This variant is present in population databases (rs750549000, gnomAD 0.006%). This variant has not been reported in the literature in individuals affected with C12orf4-related conditions. Algorithms developed to predict the effect of sequence changes on RNA splicing suggest that this variant may disrupt the consensus splice site. For these reasons, this variant has been classified as Pathogenic.

Literature cited by the submitters: PubMed 27311568.

NM_020374.4(FERRY3):c.815_818del (p.Glu272fs)

Gene: FERRY3 (FERRY endosomal RAB5 effector complex subunit 3; minus strand). Cytogenetic location: 12p13.32.
Variant type: Deletion.
Coding change: c.815_818del on transcript NM_020374.4 (MANE Select); coding-DNA positions 815 to 818, 4 bases deleted (AAAG; older notation c.815_818delAAAG).
Protein change: p.Glu272fs; shifts the reading frame from glutamic acid 272.
Molecular consequence: frameshift variant. On other transcripts: intron variant (1).
Genome position (GRCh38, 1-based): chr12:4,518,791-4,518,794, CTTT deleted on the plus strand (AAAG on the coding strand, the reverse complement: FERRY3 is on the minus strand); deleting any 4 consecutive bases within chr12:4,518,791-4,518,797 gives the same sequence; the c. name uses the placement nearest the transcript's 3' end. VCF-style (leftmost placement, unchanged base first): chr12-4518790-ACTTT-A. GRCh37 (hg19) VCF-style: chr12-4627956-ACTTT-A.
Other names: c.815_818del, p.Glu272fs (NM_001304811.2, NM_001346153.2, NM_001346155.2); c.296_299del, p.Glu99fs (NM_001346156.2, NM_001346157.2); c.-17-539_-17-536del (NM_001352962.2); short protein forms E272fs, E99fs.
Identifiers: ClinVar variation 2197319 (VCV002197319.1), dbSNP rs750549000, ClinGen allele CA6396261.